The following is an entry in ClinVar:

NM_001356.5(DDX3X):c.284+1G>A

Gene: DDX3X (DEAD-box helicase 3 X-linked; plus strand). Cytogenetic location: Xp11.4.
Variant type: single nucleotide variant.
Coding change: c.284+1G>A on transcript NM_001356.5 (MANE Select); the canonical splice donor site of the intron after coding-DNA position 284, G replaced by A.
Molecular consequence: splice donor variant.
Genome position (GRCh38, 1-based): chrX:41,341,617, G>A. VCF-style: chrX-41341617-G-A. GRCh37 (hg19) VCF-style: chrX-41200870-G-A.
Other names: c.284+1G>A (NM_001193416.3); c.236+1G>A (NM_001193417.3); c.-275+1G>A (NM_001363819.1).
Identifiers: ClinVar variation 4533352 (VCV004533352.1).

ClinVar aggregate classification (germline): Pathogenic (1 of 4 stars; one submission).

Conditions:
Intellectual disability, X-linked 102 (MRXSSB). Also called: Intellectual developmental disorder, X-linked syndromic, Snijders Blok type. Identifiers: Orphanet 457260, MedGen C5393299, MONDO:0010497, OMIM 300958.

Submission:

Daryl Scott Lab, Baylor College of Medicine
Classification: Pathogenic for Intellectual disability, X-linked 102. Last evaluated: 2025-08-25. Review status: criteria provided, single submitter. Criteria: ACMG Guidelines, 2015. Collection method: clinical testing. Allele origin: de novo. Affected: yes. Observed: 1 heterozygote.
Comment: PVS1, PS2, PM2